The following is an entry in ClinVar:

NM_001355436.2(SPTB):c.4402G>T (p.Gly1468Ter)

Gene: SPTB (spectrin beta, erythrocytic; minus strand). Cytogenetic location: 14q23.3.
Variant type: single nucleotide variant.
Coding change: c.4402G>T on transcript NM_001355436.2 (MANE Select); coding-DNA position 4402, G replaced by T.
Protein change: p.Gly1468Ter; replaces glycine 1468 with a stop codon.
Molecular consequence: nonsense.
Genome position (GRCh38, 1-based): chr14:64,779,796, C>A on the plus strand (G>T on the coding strand, the complement: SPTB is on the minus strand). VCF-style: chr14-64779796-C-A. GRCh37 (hg19) VCF-style: chr14-65246514-C-A.
Other names: c.4402G>T, p.Gly1468Ter (NM_001024858.4, NM_001355437.2); short protein forms G1468*.
Identifiers: ClinVar variation 4728465 (VCV004728465.1).

ClinVar aggregate classification (germline): Pathogenic (1 of 4 stars; one submission).

Submission:

Labcorp Genetics (formerly Invitae), Labcorp
Classification: Pathogenic. Last evaluated: 2025-10-04. Review status: criteria provided, single submitter. Criteria: Invitae Variant Classification Sherloc (09022015). Collection method: clinical testing. Allele origin: germline.
Comment: This sequence change creates a premature translational stop signal (p.Gly1468*) in the SPTB gene. It is expected to result in an absent or disrupted protein product. Loss-of-function variants in SPTB are known to be pathogenic (PMID: 1391962, 1498324, 8844207, 26830532, 27292444). This variant is not present in population databases (gnomAD no frequency). This variant has not been reported in the literature in individuals affected with SPTB-related conditions. For these reasons, this variant has been classified as Pathogenic.

Literature cited by the submitters: PubMed 1391962; PubMed 1498324; PubMed 8844207; PubMed 26830532; PubMed 27292444.